The following is an entry in ClinVar:

ClinVar aggregate classification (germline): Conflicting classifications of pathogenicity. Review status: criteria provided, conflicting classifications (1 of 4 stars). 6 submissions from 6 submitters: Pathogenic (1); Likely pathogenic (3); Uncertain significance (1). 1 of the submissions does not count toward it. Last evaluated 2025-08-15.

Conditions:
Retinitis pigmentosa (RP). Identifiers: Orphanet 791, MedGen C0035334, MeSH D012174, MONDO:0019200, OMIM 268000. Inheritance: Autosomal dominant, autosomal recessive and X linked inheritance.
Retinal dystrophy. Also called: Inherited retinal dystrophy. Identifiers: Orphanet 71862, MedGen C0854723, MeSH D058499, MONDO:0019118, HP:0000556.
Leber congenital amaurosis (LCA). Also called: Leber's amaurosis. Identifiers: Orphanet 65, MedGen C0339527, MeSH D057130, MONDO:0018998.
Leber congenital amaurosis 13 (LCA13). Identifiers: MedGen C2675186, MONDO:0012990, OMIM 612712.

Allele frequency attached by ClinVar (database versions not stated): ESP Exome Variant Server 0.00008.
gnomAD v4.1: 4 of 1,614,148 alleles (0.00025%); highest among the groups gnomAD compares: South Asian, 0.0011%; no homozygotes.

Submissions (6):

Labcorp Genetics (formerly Invitae), Labcorp
Classification: Pathogenic for Leber congenital amaurosis 13. Last evaluated: 2025-08-15. Review status: criteria provided, single submitter. Criteria: Invitae Variant Classification Sherloc (09022015). Collection method: clinical testing. Allele origin: germline.
Comment: This sequence change replaces glycine, which is neutral and non-polar, with tryptophan, which is neutral and slightly polar, at codon 76 of the RDH12 protein (p.Gly76Trp). This variant is not present in population databases (gnomAD no frequency). This missense change has been observed in individual(s) with autosomal recessive inherited retinal dystrophy (PMID: 30718709; internal data). In at least one individual the data is consistent with being in trans (on the opposite chromosome) from a pathogenic variant. ClinVar contains an entry for this variant (Variation ID: 636078). Invitae Evidence Modeling of protein sequence and biophysical properties (such as structural, functional, and spatial information, amino acid conservation, physicochemical variation, residue mobility, and thermodynamic stability) indicates that this missense variant is expected to disrupt RDH12 protein function with a positive predictive value of 80%. This variant disrupts the p.Gly76 amino acid residue in RDH12. Other variant(s) that disrupt this residue have been determined to be pathogenic (PMID: 19956407, 24265693, 30134391). This suggests that this residue is clinically significant, and that variants that disrupt this residue are likely to be disease-causing. For these reasons, this variant has been classified as Pathogenic.

Natera, Inc.
Classification: Likely pathogenic for Leber congenital amaurosis. Last evaluated: 2025-06-09. Review status: criteria provided, single submitter. Criteria: Natera Variant Classification Schema (03/2026). Collection method: clinical testing. Allele origin: germline.
Comment: The c.226G>T variant in RDH12 is a missense variant predicted to cause substitution of glycine to tryptophan at amino acid 76. This variant is rare in the general population with a frequency below the threshold expected for the associated phenotype(s). This variant has been observed in one or more individuals affected with the associated recessive disease, as either homozygous or compound heterozygous with a second variant (PMID: 37798099, 37714431). A different variant at the same position has been determined to be Pathogenic or Likely Pathogenic. Computational prediction algorithms indicate this variant is likely to affect gene or protein function. Given the available evidence, this variant is classified as Likely Pathogenic.

CeGaT Center for Human Genetics Tuebingen
Classification: Likely pathogenic. Last evaluated: 2025-03-01. Review status: criteria provided, single submitter. Criteria: CeGaT Center For Human Genetics Tuebingen Variant Classification Criteria Version 2. Collection method: clinical testing. Allele origin: germline. Affected: yes. Observed: 1 variant allele.
Comment: RDH12: PM2, PM3, PM5

Institute of Human Genetics, Univ. Regensburg, Univ. Regensburg
Classification: Likely pathogenic for Retinal dystrophy. Last evaluated: 2019-01-01. Review status: criteria provided, single submitter. Criteria: ACMG Guidelines, 2015. Collection method: clinical testing. Allele origin: germline. Affected: yes.

Blueprint Genetics
Classification: Uncertain significance. Last evaluated: 2018-07-24. Review status: criteria provided, single submitter. Criteria: ACMG Guidelines, 2015. Collection method: clinical testing. Allele origin: germline.

Department of Clinical Genetics, Copenhagen University Hospital, Rigshospitalet
Classification: Likely pathogenic for Retinitis pigmentosa. Last evaluated: 2018-04-01. Review status: no assertion criteria provided. Collection method: research. Allele origin: unknown. Affected: yes. Study: VeluxRD. Not counted in ClinVar's aggregate classification.

Literature cited by the submitters: PubMed 30718709 (cited by 3 submitters); PubMed 19956407 (cited by Labcorp Genetics (formerly Invitae), Labcorp); PubMed 24265693 (cited by Labcorp Genetics (formerly Invitae), Labcorp); PubMed 30134391 (cited by Labcorp Genetics (formerly Invitae), Labcorp); PubMed 37798099 (cited by Natera, Inc.); PubMed 37714431 (cited by Natera, Inc.).

NM_152443.3(RDH12):c.226G>T (p.Gly76Trp)

Genes: GPHN (gephyrin; plus strand), RDH12 (retinol dehydrogenase 12; plus strand). Cytogenetic location: 14q24.1.
Variant type: single nucleotide variant.
Coding change: c.226G>T on transcript NM_152443.3 (MANE Select); coding-DNA position 226, G replaced by T.
Protein change: p.Gly76Trp; replaces glycine 76 with tryptophan.
Molecular consequence: missense variant.
Genome position (GRCh38, 1-based): chr14:67,725,137, G>T. VCF-style: chr14-67725137-G-T. GRCh37 (hg19) VCF-style: chr14-68191854-G-T.
Other names: short protein forms G76W.
Identifiers: ClinVar variation 636078 (VCV000636078.21), dbSNP rs368489658, ClinGen allele CA262808724.